The following is an entry in ClinVar:

ClinVar aggregate classification (germline): Uncertain significance. Review status: criteria provided, multiple submitters, no conflicts (2 of 4 stars). 7 submissions from 7 submitters: Uncertain significance (7). Last evaluated 2025-06-17.

Conditions:
Tuberous sclerosis syndrome (TSC). Also called: Tuberous sclerosis; Tuberous Sclerosis Complex. Identifiers: Orphanet 805, MedGen C0041341, MONDO:0001734.
Hereditary cancer-predisposing syndrome. Also called: Hereditary Cancer Syndrome; Tumor predisposition; Neoplastic Syndromes, Hereditary; Hereditary neoplastic syndrome. Identifiers: Orphanet 140162, MedGen C0027672, MeSH D009386, MONDO:0015356.
Isolated focal cortical dysplasia type II (FCORD2). Also called: Focal cortical dysplasia type II; CORTICAL DYSPLASIA OF TAYLOR. Identifiers: Orphanet 268994, MedGen C1846385, MONDO:0011818, OMIM 607341, HP:0032051.
Tuberous sclerosis 1 (TSC1). Identifiers: Orphanet 805, MedGen C1854465, MONDO:0008612, OMIM 191100.

Submissions (7):

Color Diagnostics, LLC DBA Color Health
Classification: Uncertain significance for Tuberous sclerosis syndrome. Last evaluated: 2025-06-17. Review status: criteria provided, single submitter. Criteria: ACMG Guidelines, 2015. Collection method: clinical testing. Allele origin: germline.
Comment: This missense variant replaces methionine with threonine at codon 646 of the TSC1 protein. Computational prediction suggests that this variant may not impact protein structure and function. To our knowledge, functional studies have not been reported for this variant. This variant has not been reported in individuals affected with TSC1-related disorders in the literature. This variant has not been identified in the general population by the Genome Aggregation Database (gnomAD). The available evidence is insufficient to determine the role of this variant in disease conclusively. Therefore, this variant is classified as a Variant of Uncertain Significance.

Labcorp Genetics (formerly Invitae), Labcorp
Classification: Uncertain significance for Tuberous sclerosis 1. Last evaluated: 2025-01-11. Review status: criteria provided, single submitter. Criteria: Invitae Variant Classification Sherloc (09022015). Collection method: clinical testing. Allele origin: germline.
Comment: This sequence change replaces methionine, which is neutral and non-polar, with threonine, which is neutral and polar, at codon 646 of the TSC1 protein (p.Met646Thr). This variant is not present in population databases (gnomAD no frequency). This variant has not been reported in the literature in individuals affected with TSC1-related conditions. ClinVar contains an entry for this variant (Variation ID: 648921). Invitae Evidence Modeling of protein sequence and biophysical properties (such as structural, functional, and spatial information, amino acid conservation, physicochemical variation, residue mobility, and thermodynamic stability) indicates that this missense variant is not expected to disrupt TSC1 protein function with a negative predictive value of 95%. In summary, the available evidence is currently insufficient to determine the role of this variant in disease. Therefore, it has been classified as a Variant of Uncertain Significance.

GeneDx
Classification: Uncertain significance. Last evaluated: 2024-09-23. Review status: criteria provided, single submitter. Criteria: GeneDx Variant Classification Process June 2021. Collection method: clinical testing. Allele origin: germline. Affected: yes.
Comment: Not observed at significant frequency in large population cohorts (gnomAD); In silico analysis indicates that this missense variant does not alter protein structure/function; Has not been previously published as pathogenic or benign to our knowledge

Ambry Genetics
Classification: Uncertain significance for Hereditary cancer-predisposing syndrome. Last evaluated: 2023-04-16. Review status: criteria provided, single submitter. Criteria: Ambry Variant Classification Scheme 2023. Collection method: clinical testing. Allele origin: germline.
Comment: The p.M646T variant (also known as c.1937T>C), located in coding exon 13 of the TSC1 gene, results from a T to C substitution at nucleotide position 1937. The methionine at codon 646 is replaced by threonine, an amino acid with similar properties. This amino acid position is conserved. In addition, this alteration is predicted to be tolerated by in silico analysis. Since supporting evidence is limited at this time, the clinical significance of this alteration remains unclear.

All of Us Research Program, National Institutes of Health
Classification: Uncertain significance for Tuberous sclerosis syndrome. Last evaluated: 2023-02-24. Review status: criteria provided, single submitter. Criteria: ACMG Guidelines, 2015. Collection method: clinical testing. Allele origin: germline. Inheritance: Autosomal dominant inheritance. Observed: 1 variant allele, 1 heterozygote.
Comment: This missense variant replaces methionine with threonine at codon 646 of the TSC1 protein. Computational prediction suggests that this variant may not impact protein structure and function (internally defined REVEL score threshold <= 0.5, PMID: 27666373). To our knowledge, functional studies have not been reported for this variant. This variant has not been reported in individuals affected with TSC1-related disorders in the literature. This variant has not been identified in the general population by the Genome Aggregation Database (gnomAD). The available evidence is insufficient to determine the role of this variant in disease conclusively. Therefore, this variant is classified as a Variant of Uncertain Significance.

This study involves interpretation of variants in research participants for the purpose of population health screening. Participant phenotype was not available at the time of variant classification. Additional details can be found in publication PMID: 35346344, PMCID: PMC8962531

Genome-Nilou Lab
Classification: Uncertain significance for Tuberous sclerosis 1. Last evaluated: 2021-11-07. Review status: criteria provided, single submitter. Criteria: ACMG Guidelines, 2015. Collection method: clinical testing. Allele origin: germline. Affected: no.

Baylor Genetics
Classification: Uncertain significance for Isolated focal cortical dysplasia type II. Last evaluated: 2019-07-03. Review status: criteria provided, single submitter. Criteria: ACMG Guidelines, 2015. Collection method: clinical testing. Allele origin: unknown. Affected: yes.
Comment: This variant was determined to be of uncertain significance according to ACMG Guidelines, 2015 [PMID:25741868].

NM_000368.5(TSC1):c.1937T>C (p.Met646Thr)

Gene: TSC1 (TSC complex subunit 1; minus strand). Cytogenetic location: 9q34.13.
Variant type: single nucleotide variant.
Coding change: c.1937T>C on transcript NM_000368.5 (MANE Select); coding-DNA position 1937, T replaced by C.
Protein change: p.Met646Thr; replaces methionine 646 with threonine.
Molecular consequence: missense variant.
Genome position (GRCh38, 1-based): chr9:132,905,641, A>G on the plus strand (T>C on the coding strand, the complement: TSC1 is on the minus strand). VCF-style: chr9-132905641-A-G. GRCh37 (hg19) VCF-style: chr9-135781028-A-G.
Other names: c.1934T>C, p.Met645Thr (NM_001162426.2); c.1784T>C, p.Met595Thr (NM_001162427.2); c.1574T>C, p.Met525Thr (NM_001362177.2); short protein forms M525T, M645T, M595T, M646T.
Identifiers: ClinVar variation 648921 (VCV000648921.14), dbSNP rs1588308288, ClinGen allele CA375362555.